The following is an entry in ClinVar:

NM_152703.5(SAMD9L):c.2932G>T (p.Glu978Ter)

Gene: SAMD9L (sterile alpha motif domain containing 9 like; minus strand). Cytogenetic location: 7q21.2.
Variant type: single nucleotide variant.
Coding change: c.2932G>T on transcript NM_152703.5 (MANE Select); coding-DNA position 2932, G replaced by T.
Protein change: p.Glu978Ter; replaces glutamic acid 978 with a stop codon.
Molecular consequence: nonsense.
Genome position (GRCh38, 1-based): chr7:93,133,040, C>A on the plus strand (G>T on the coding strand, the complement: SAMD9L is on the minus strand). VCF-style: chr7-93133040-C-A. GRCh37 (hg19) VCF-style: chr7-92762353-C-A.
Other names: c.2932G>T, p.Glu978Ter (NM_001303496.3, NM_001303497.3, NM_001303498.3 and 5 more transcripts); short protein forms E978*.
Identifiers: ClinVar variation 2874199 (VCV002874199.3), dbSNP rs567728437, ClinGen allele CA4343532.
Genomic context (GRCh38, chr7:93,133,040, plus strand): 5'-TTAGACAGTACAGGGCAATCAGAGGGTGAATGATACGCACACCTGTGTATCTCCCATATT[C>A]TGCAACTTCTGTTTTTATTAGAAGTGTAGAATAAGTTCCCATCTTGTCTTCTAAGCTTTC-3'

ClinVar aggregate classification (germline): Uncertain significance (1 of 4 stars; one submission).

Allele frequency attached by ClinVar (database versions not stated): 1000 Genomes Project 0.00020; gnomAD exomes below 0.00001; 1000 Genomes Project 30x 0.00016; ExAC 0.00001; gnomAD 0.00001.
gnomAD v4.1: 5 of 1,613,632 alleles (0.00031%); highest among the groups gnomAD compares: South Asian, 0.0055%; no homozygotes.

Submission:

Labcorp Genetics (formerly Invitae), Labcorp
Classification: Uncertain significance. Last evaluated: 2025-10-13. Review status: criteria provided, single submitter. Criteria: Invitae Variant Classification Sherloc (09022015). Collection method: clinical testing. Allele origin: germline.
Comment: This sequence change creates a premature translational stop signal (p.Glu978*) in the SAMD9L gene. While this is not anticipated to result in nonsense mediated decay, it is expected to disrupt the last 607 amino acid(s) of the SAMD9L protein. This variant is present in population databases (rs567728437, gnomAD 0.003%). This variant has not been reported in the literature in individuals affected with SAMD9L-related conditions. ClinVar contains an entry for this variant (Variation ID: 2874199). In summary, the available evidence is currently insufficient to determine the role of this variant in disease. Therefore, it has been classified as a Variant of Uncertain Significance.